The following is an entry in ClinVar:

NM_000337.6(SGCD):c.116T>C (p.Val39Ala)

Gene: SGCD (sarcoglycan delta; plus strand). Cytogenetic location: 5q33.3.
Variant type: single nucleotide variant.
Coding change: c.116T>C on transcript NM_000337.6 (MANE Select); coding-DNA position 116, T replaced by C.
Protein change: p.Val39Ala; replaces valine 39 with alanine.
Molecular consequence: missense variant.
Genome position (GRCh38, 1-based): chr5:156,344,601, T>C. VCF-style: chr5-156344601-T-C. GRCh37 (hg19) VCF-style: chr5-155771611-T-C.
Other names: p.V39A:GTC>GCC; c.113T>C, p.Val38Ala (NM_001128209.2); c.116T>C, p.Val39Ala (NM_172244.3); short protein forms V39A, V38A.
Identifiers: ClinVar variation 202086 (VCV000202086.10), dbSNP rs794729164, ClinGen allele CA308782.
Genomic context (GRCh38, chr5:156,344,601, plus strand): 5'-GGCCACAGGTATACAAGGTGGGGATTTATGGCTGGCGGAAACGATGCCTGTATTTCTTTG[T>C]CCTGCTCCTCATGATTTTAATACTGGTGAACTTGGCCATGACCATCTGGATTCTCAAAGT-3'
Protein context (NP_000328.2, residues 29-49): GWRKRCLYFF[Val39Ala]LLLMILILVN

ClinVar aggregate classification (germline): Uncertain significance. Review status: criteria provided, multiple submitters, no conflicts (2 of 4 stars). 4 submissions from 3 submitters: Uncertain significance (4). Last evaluated 2023-02-08.

Conditions:
Autosomal recessive limb-girdle muscular dystrophy type 2F (LGMDR6). Also called: MUSCULAR DYSTROPHY, LIMB-GIRDLE, AUTOSOMAL RECESSIVE 6; Muscular dystrophy limb-girdle with delta-sarcoglyan deficiency. Identifiers: Orphanet 219, MedGen C1832525, MONDO:0011028, OMIM 601287. Disease mechanism: Affects gamma-sarcoglycan and also disrupts the integrity of the entire sarcoglycan complex..
Dilated cardiomyopathy 1L (CMD1L). Identifiers: Orphanet 154, MedGen C1847667, MONDO:0011702, OMIM 606685.

Submissions (4):

Genome-Nilou Lab
Classification: Uncertain significance for Autosomal recessive limb-girdle muscular dystrophy type 2F. Last evaluated: 2023-02-08. Review status: criteria provided, single submitter. Criteria: ACMG Guidelines, 2015. Collection method: clinical testing. Allele origin: germline.

Genome-Nilou Lab
Classification: Uncertain significance for Dilated cardiomyopathy 1L. Last evaluated: 2023-02-08. Review status: criteria provided, single submitter. Criteria: ACMG Guidelines, 2015. Collection method: clinical testing. Allele origin: germline.

Labcorp Genetics (formerly Invitae), Labcorp
Classification: Uncertain significance for Autosomal recessive limb-girdle muscular dystrophy type 2F. Last evaluated: 2022-03-18. Review status: criteria provided, single submitter. Criteria: Invitae Variant Classification Sherloc (09022015). Collection method: clinical testing. Allele origin: germline.
Comment: In summary, the available evidence is currently insufficient to determine the role of this variant in disease. Therefore, it has been classified as a Variant of Uncertain Significance. Algorithms developed to predict the effect of missense changes on protein structure and function are either unavailable or do not agree on the potential impact of this missense change (SIFT: "Deleterious"; PolyPhen-2: "Possibly Damaging"; Align-GVGD: "Class C0"). ClinVar contains an entry for this variant (Variation ID: 202086). This variant has not been reported in the literature in individuals affected with SGCD-related conditions. This variant is not present in population databases (gnomAD no frequency). This sequence change replaces valine, which is neutral and non-polar, with alanine, which is neutral and non-polar, at codon 39 of the SGCD protein (p.Val39Ala).

GeneDx
Classification: Uncertain significance. Last evaluated: 2018-08-28. Review status: criteria provided, single submitter. Criteria: GeneDx Variant Classification (06012015). Collection method: clinical testing. Allele origin: germline. Affected: yes.
Comment: p.Val39Ala (GTC>GCC): c.116 T>C in exon 3 of the SGCD gene (NM_000337.5). The Val39Ala variant in the SGCD gene has not been reported as a disease-causing mutation or as a benign polymorphism to our knowledge. Val39Ala was not observed in approximately 6000 individuals of European and African American ancestry in the NHLBI Exome Sequencing Project, indicating it is not a common benign variant in these populations. Val39Ala results in a conservative amino acid substitution of one non-polar amino acid for another at a position that is class conserved across species. In silico analysis predicts Val39Ala is damaging to the protein structure/function. However, missense mutations in nearby residues have not been reported to date, indicating this region of the protein may be tolerant of change. With the clinical and molecular information available at this time, we cannot definitively determine if Val39Ala is a disease-causing mutation or a rare benign variant. The variant is found in DCM-CRDM panel(s).